The following is an entry in ClinVar:

ClinVar aggregate classification (germline): Uncertain significance (1 of 4 stars; one submission).

Submission:

GeneDx
Classification: Uncertain significance. Last evaluated: 2022-07-26. Review status: criteria provided, single submitter. Criteria: GeneDx Variant Classification Process June 2021. Collection method: clinical testing. Allele origin: germline. Affected: yes.
Comment: Not observed at significant frequency in large population cohorts (gnomAD); In-frame deletion of 2 amino acids in a non-repeat region; In silico analysis supports a deleterious effect on protein structure/function; Has not been previously published as pathogenic or benign to our knowledge

NM_020706.2(SCAF4):c.2939_2944del (p.Pro980_Gln981del)

Gene: SCAF4 (SR-related CTD associated factor 4; minus strand). Cytogenetic location: 21q22.11.
Variant type: Deletion.
Coding change: c.2939_2944del on transcript NM_020706.2 (MANE Select); coding-DNA positions 2939 to 2944, 6 bases deleted (CACAGC; older notation c.2939_2944delCACAGC).
Protein change: p.Pro980_Gln981del.
Molecular consequence: inframe deletion.
Genome position (GRCh38, 1-based): chr21:31,671,899-31,671,904, GCTGTG deleted on the plus strand (CACAGC on the coding strand, the reverse complement: SCAF4 is on the minus strand); deleting any 6 consecutive bases within chr21:31,671,899-31,671,908 gives the same sequence; the c. name uses the placement nearest the transcript's 3' end. VCF-style (leftmost placement, unchanged base first): chr21-31671898-TGCTGTG-T. GRCh37 (hg19) VCF-style: chr21-33044211-TGCTGTG-T.
Other names: c.2894_2899del, p.Pro965_Gln966del (NM_001145444.1); c.2873_2878del, p.Pro958_Gln959del (NM_001145445.1).
Identifiers: ClinVar variation 2412865 (VCV002412865.3), dbSNP rs2516673739, ClinGen allele CA2580098555.